The following is an entry in ClinVar:

ClinVar aggregate classification (germline): Likely benign. Review status: criteria provided, multiple submitters, no conflicts (2 of 4 stars). 3 submissions from 3 submitters: Likely benign (3). Last evaluated 2025-08-13.

Allele frequency attached by ClinVar (database versions not stated): gnomAD 0.00003; TOPMed 0.00004; ESP Exome Variant Server 0.00008.
gnomAD v4.1: 45 of 1,613,812 alleles (0.0028%); highest among the groups gnomAD compares: East Asian, 0.0045%; no homozygotes.

Submissions (3):

Labcorp Genetics (formerly Invitae), Labcorp
Classification: Likely benign. Last evaluated: 2025-08-13. Review status: criteria provided, single submitter. Criteria: Invitae Variant Classification Sherloc (09022015). Collection method: clinical testing. Allele origin: germline.

Mayo Clinic Laboratories, Mayo Clinic
Classification: Likely benign. Last evaluated: 2025-06-08. Review status: criteria provided, single submitter. Criteria: ACMG Guidelines, 2015. Collection method: clinical testing. Allele origin: germline. Observed: 1 variant allele.
Comment: BP4, BP7

Blueprint Genetics
Classification: Likely benign. Last evaluated: 2022-07-13. Review status: criteria provided, single submitter. Criteria: ACMG Guidelines, 2015. Collection method: clinical testing. Allele origin: germline.

NM_139027.6(ADAMTS13):c.1473C>T (p.Gly491=)

Gene: ADAMTS13 (ADAM metallopeptidase with thrombospondin type 1 motif 13; plus strand). Cytogenetic location: 9q34.2.
Variant type: single nucleotide variant.
Coding change: c.1473C>T on transcript NM_139027.6 (MANE Select); coding-DNA position 1473, C replaced by T.
Protein change: p.Gly491=; no amino-acid change (glycine 491 retained).
Molecular consequence: synonymous variant.
Genome position (GRCh38, 1-based): chr9:133,437,786, C>T. VCF-style: chr9-133437786-C-T. GRCh37 (hg19) VCF-style: chr9-136302906-C-T.
Other names: p.Gly491=; c.1473C>T, p.Gly491= (NM_139025.5); c.1380C>T, p.Gly460= (NM_139026.6).
Identifiers: ClinVar variation 2075098 (VCV002075098.6), dbSNP rs140501683, ClinGen allele CA200930263.